The following is an entry in ClinVar:

ClinVar aggregate classification (germline): Likely benign (0 of 4 stars; one submission).

Conditions:
HNF4A-related disorder. Also called: HNF4A-related condition.

Submission:

PreventionGenetics, part of Exact Sciences
Classification: Likely benign for HNF4A-related condition. Last evaluated: 2019-03-29. Review status: no assertion criteria provided. Collection method: clinical testing. Allele origin: germline.
Comment: This variant is classified as likely benign based on ACMG/AMP sequence variant interpretation guidelines (Richards et al. 2015 PMID: 25741868, with internal and published modifications).

NM_175914.5(HNF4A):c.50-4747C>G

Gene: HNF4A (hepatocyte nuclear factor 4 alpha; plus strand). Cytogenetic location: 20q13.12.
Variant type: single nucleotide variant.
Coding change: c.50-4747C>G on transcript NM_175914.5 (MANE Select); 4747 bases into the intron before coding-DNA position 50, C replaced by G.
Molecular consequence: intron variant. On other transcripts: 5 prime UTR variant (4).
Genome position (GRCh38, 1-based): chr20:44,401,311, C>G. VCF-style: chr20-44401311-C-G. GRCh37 (hg19) VCF-style: chr20-43029951-C-G.
Other names: c.-62C>G (NM_000457.6, NM_178849.3, NM_178850.3); c.-174C>G (NM_001258355.2); c.41-4747C>G (NM_001287182.2, NM_001287183.2, NM_001287184.2); c.50-4747C>G (NM_001030003.3, NM_001030004.3).
Identifiers: ClinVar variation 3035119 (VCV003035119.2), dbSNP rs1196142201, ClinGen allele CA1017838861.